The following is an entry in ClinVar:

ClinVar aggregate classification (germline): Uncertain significance. Review status: criteria provided, multiple submitters, no conflicts (2 of 4 stars). 2 submissions from 2 submitters: Uncertain significance (2). Last evaluated 2025-12-29.

Allele frequency attached by ClinVar (database versions not stated): TOPMed below 0.00001; ExAC 0.00001.

Submissions (2):

Labcorp Genetics (formerly Invitae), Labcorp
Classification: Uncertain significance. Last evaluated: 2025-12-29. Review status: criteria provided, single submitter. Criteria: Invitae Variant Classification Sherloc (09022015). Collection method: clinical testing. Allele origin: germline.
Comment: This sequence change replaces glycine, which is neutral and non-polar, with glutamic acid, which is acidic and polar, at codon 188 of the ZNF687 protein (p.Gly188Glu). This variant is present in population databases (rs759568811, gnomAD 0.006%). This variant has not been reported in the literature in individuals affected with ZNF687-related conditions. ClinVar contains an entry for this variant (Variation ID: 2307545). An algorithm developed to predict the effect of missense changes on protein structure and function (PolyPhen-2) suggests that this variant is likely to be tolerated. In summary, the available evidence is currently insufficient to determine the role of this variant in disease. Therefore, it has been classified as a Variant of Uncertain Significance.

Ambry Genetics
Classification: Uncertain significance. Last evaluated: 2022-08-16. Review status: criteria provided, single submitter. Criteria: Ambry Variant Classification Scheme 2023. Collection method: clinical testing. Allele origin: germline.

NM_020832.3(ZNF687):c.563G>A (p.Gly188Glu)

Gene: ZNF687 (zinc finger protein 687; plus strand). Cytogenetic location: 1q21.3.
Variant type: single nucleotide variant.
Coding change: c.563G>A on transcript NM_020832.3 (MANE Select); coding-DNA position 563, G replaced by A.
Protein change: p.Gly188Glu; replaces glycine 188 with glutamic acid.
Molecular consequence: missense variant.
Genome position (GRCh38, 1-based): chr1:151,286,854, G>A. VCF-style: chr1-151286854-G-A. GRCh37 (hg19) VCF-style: chr1-151259330-G-A.
Other names: c.563G>A, p.Gly188Glu (NM_001304763.2, NM_001304764.2); short protein forms G188E.
Identifiers: ClinVar variation 2307545 (VCV002307545.5), dbSNP rs759568811, ClinGen allele CA1088176.